The following is an entry in ClinVar:

ClinVar aggregate classification (germline): Uncertain significance (1 of 4 stars; one submission).

Conditions:
KMT2B-related disorder. Also called: KMT2B-related disorders; KMT2B-related condition. Identifiers: MedGen CN381338.

Submission:

PreventionGenetics, part of Exact Sciences
Classification: Uncertain significance for KMT2B-related condition. Last evaluated: 2026-09-22. Review status: criteria provided, single submitter. Criteria: ACMG Guidelines, 2015. Collection method: clinical testing. Allele origin: germline.
Comment: The KMT2B c.1898C>G variant is predicted to result in the amino acid substitution p.Pro633Arg. To our knowledge, this variant has not been reported in the literature or in a large population database (gnomAD), indicating this variant is rare. At this time, the clinical significance of this variant is uncertain due to the absence of conclusive functional and genetic evidence.

NM_014727.3(KMT2B):c.1898C>G (p.Pro633Arg)

Gene: KMT2B (lysine methyltransferase 2B; plus strand). Cytogenetic location: 19q13.12.
Variant type: single nucleotide variant.
Coding change: c.1898C>G on transcript NM_014727.3 (MANE Select); coding-DNA position 1898, C replaced by G.
Protein change: p.Pro633Arg; replaces proline 633 with arginine.
Molecular consequence: missense variant.
Genome position (GRCh38, 1-based): chr19:35,721,245, C>G. VCF-style: chr19-35721245-C-G. GRCh37 (hg19) VCF-style: chr19-36212147-C-G.
Other names: short protein forms P633R.
Identifiers: ClinVar variation 4993990 (VCV004993990.1).